The following is an entry in ClinVar:

ClinVar aggregate classification (germline): Likely pathogenic. Review status: criteria provided, multiple submitters, no conflicts (2 of 4 stars). 2 submissions from 2 submitters: Likely pathogenic (2). Last evaluated 2023-07-20.

Conditions:
TTN-related disorder. Also called: TTN-related disorders; TTN-related condition; TTN-related disease.

Allele frequency attached by ClinVar (database versions not stated): gnomAD 0.00001.

Submissions (2):

GeneDx
Classification: Likely pathogenic. Last evaluated: 2023-07-20. Review status: criteria provided, single submitter. Criteria: GeneDx Variant Classification Process June 2021. Collection method: clinical testing. Allele origin: germline. Affected: yes.
Comment: Nonsense variant predicted to result in protein truncation or nonsense mediated decay in a gene for which loss of function is a known mechanism of disease; Not observed at significant frequency in large population cohorts (gnomAD); Has not been previously published as pathogenic or benign to our knowledge; Located in the M-line region of TTN in which the majority of loss of function variants have been associated with autosomal recessive titinopathies (Carmignac et al., 2007); This variant is associated with the following publications: (PMID: 17444505)

Blueprint Genetics
Classification: Likely pathogenic for TTN-related disorders. Last evaluated: 2020-05-04. Review status: criteria provided, single submitter. Criteria: ACMG Guidelines, 2015. Collection method: clinical testing. Allele origin: germline. Affected: yes. Observed: 3 variant alleles.

NM_001267550.2(TTN):c.106546G>T (p.Glu35516Ter)

Genes: TTN (titin; minus strand), TTN-AS1 (TTN antisense RNA 1; plus strand). Cytogenetic location: 2q31.2.
Variant type: single nucleotide variant.
Coding change: c.106546G>T on transcript NM_001267550.2 (MANE Select); coding-DNA position 106546, G replaced by T.
Protein change: p.Glu35516Ter; replaces glutamic acid 35516 with a stop codon.
Molecular consequence: nonsense.
Genome position (GRCh38, 1-based): chr2:178,529,205, C>A on the plus strand (G>T on the coding strand, the complement: TTN is on the minus strand). VCF-style: chr2-178529205-C-A. GRCh37 (hg19) VCF-style: chr2-179393932-C-A.
Other names: c.101623G>T, p.Glu33875Ter (NM_001256850.1); c.79351G>T, p.Glu26451Ter (NM_003319.4); c.98842G>T, p.Glu32948Ter (NM_133378.4); c.79726G>T, p.Glu26576Ter (NM_133432.3); c.79927G>T, p.Glu26643Ter (NM_133437.4); short protein forms E26576*, E32948*, E26451*, E35516*, E33875*, E26643*.
Identifiers: ClinVar variation 2136047 (VCV002136047.3), dbSNP rs1304842966, ClinGen allele CA349404478.
Genomic context (GRCh38, chr2:178,529,205, plus strand): 5'-CAACAGCTTTCTTCTGAGGTGTAATTTCAGAAGTCTTTTGTGTAGAGACTTTCTGTGCCT[C>A]AGTATCTTTTATAGCTAAAAAAGAAACCTCTGTAAGGCAAACTTAATTAGAAAGAGACCC-3'